The following is an entry in ClinVar:

ClinVar aggregate classification (germline): Uncertain significance (1 of 4 stars; one submission).

Conditions:
Peroxisome biogenesis disorder, complementation group K (CGK). Identifiers: MedGen C1866257, MONDO:0800365.

Submission:

Labcorp Genetics (formerly Invitae), Labcorp
Classification: Uncertain significance for Peroxisome biogenesis disorder, complementation group K. Last evaluated: 2023-07-07. Review status: criteria provided, single submitter. Criteria: Invitae Variant Classification Sherloc (09022015). Collection method: clinical testing. Allele origin: germline.
Comment: In summary, the available evidence is currently insufficient to determine the role of this variant in disease. Therefore, it has been classified as a Variant of Uncertain Significance. An algorithm developed to predict the effect of missense changes on protein structure and function (PolyPhen-2) suggests that this variant is likely to be tolerated. ClinVar contains an entry for this variant (Variation ID: 1356517). This variant has not been reported in the literature in individuals affected with PEX14-related conditions. Information on the frequency of this variant in the gnomAD database is not available, as this variant may be reported differently in the database. This sequence change replaces alanine, which is neutral and non-polar, with leucine, which is neutral and non-polar, at codon 2 of the PEX14 protein (p.Ala2Leu).

NM_004565.3(PEX14):c.4_5delinsTT (p.Ala2Leu)

Gene: PEX14 (peroxisomal biogenesis factor 14; plus strand). Cytogenetic location: 1p36.22.
Variant type: Indel.
Coding change: c.4_5delinsTT on transcript NM_004565.3 (MANE Select); coding-DNA positions 4 to 5, GC replaced by TT.
Protein change: p.Ala2Leu; replaces alanine 2 with leucine.
Molecular consequence: missense variant.
Genome position (GRCh38, 1-based): chr1:10,474,970-10,474,971, GC replaced by TT. VCF-style: chr1-10474970-GC-TT. GRCh37 (hg19) VCF-style: chr1-10535027-GC-TT.
Other names: short protein forms A2L.
Identifiers: ClinVar variation 1356517 (VCV001356517.6), dbSNP rs2124356650, ClinGen allele CA2573130684.
Genomic context (GRCh38, chr1:10,474,970, plus strand): 5'-GAGGGCGCCTGGGAGAAACCTCGCCCAGCGGCGGTTGATTAGTCAGGCCTCAGAAAGATG[GC>TT]GTCCTCGGAGCAGGCAGAGCAGCCGAGCCAGGTAAGGGGAGTGGGACTGCCCCGCTGTGC-3'
Protein context (NP_004556.1, residues 1-12): M[Ala2Leu]SSEQAEQPSQ